The following is an entry in ClinVar:

ClinVar aggregate classification (germline): Uncertain significance (1 of 4 stars; one submission).

Conditions:
Myopathy, centronuclear, 2 (CNM2). Also called: MYOTUBULAR MYOPATHY, AUTOSOMAL RECESSIVE. Identifiers: Orphanet 169186, MedGen CN031787, MONDO:0009709, OMIM 255200.

Allele frequency attached by ClinVar (database versions not stated): ExAC 0.00005; TOPMed 0.00003; gnomAD 0.00001.
gnomAD v4.1: 31 of 1,613,824 alleles (0.0019%); highest among the groups gnomAD compares: East Asian, 0.018%; no homozygotes.

Submission:

Labcorp Genetics (formerly Invitae), Labcorp
Classification: Uncertain significance for Myopathy, centronuclear, 2. Last evaluated: 2025-09-24. Review status: criteria provided, single submitter. Criteria: Invitae Variant Classification Sherloc (09022015). Collection method: clinical testing. Allele origin: germline.
Comment: This sequence change replaces valine, which is neutral and non-polar, with isoleucine, which is neutral and non-polar, at codon 583 of the BIN1 protein (p.Val583Ile). This variant is present in population databases (rs759691190, gnomAD 0.03%). This variant has not been reported in the literature in individuals affected with BIN1-related conditions. ClinVar contains an entry for this variant (Variation ID: 579601). Invitae Evidence Modeling of protein sequence and biophysical properties (such as structural, functional, and spatial information, amino acid conservation, physicochemical variation, residue mobility, and thermodynamic stability) indicates that this missense variant is not expected to disrupt BIN1 protein function with a negative predictive value of 80%. In summary, the available evidence is currently insufficient to determine the role of this variant in disease. Therefore, it has been classified as a Variant of Uncertain Significance.

NM_139343.3(BIN1):c.1747G>A (p.Val583Ile)

Gene: BIN1 (bridging integrator 1; minus strand). Cytogenetic location: 2q14.3.
Variant type: single nucleotide variant.
Coding change: c.1747G>A on transcript NM_139343.3 (MANE Select); coding-DNA position 1747, G replaced by A.
Protein change: p.Val583Ile; replaces valine 583 with isoleucine.
Molecular consequence: missense variant.
Genome position (GRCh38, 1-based): chr2:127,048,561, C>T on the plus strand (G>A on the coding strand, the complement: BIN1 is on the minus strand). VCF-style: chr2-127048561-C-T. GRCh37 (hg19) VCF-style: chr2-127806137-C-T.
Other names: c.1240G>A, p.Val414Ile (NM_001320632.2); c.1378G>A, p.Val460Ile (NM_001320633.2); c.1123G>A, p.Val375Ile (NM_001320634.1); c.1507G>A, p.Val503Ile (NM_001320640.2); c.1654G>A, p.Val552Ile (NM_001320641.2); c.1666G>A, p.Val556Ile (NM_001320642.1); c.1330G>A, p.Val444Ile (NM_004305.4); c.1618G>A, p.Val540Ile (NM_139344.3); and 7 more; short protein forms V583I, V465I, V487I, V508I, V552I, V556I, V444I, V540I.
Identifiers: ClinVar variation 579601 (VCV000579601.6), dbSNP rs759691190, ClinGen allele CA1856927.